The following is an entry in ClinVar:

ClinVar aggregate classification (germline): Pathogenic. Review status: criteria provided, single submitter (1 of 4 stars). 3 submissions from 3 submitters: Pathogenic (1). 2 of the submissions do not count toward it. Last evaluated 2024-01-02.

Conditions:
Giant axonal neuropathy 1 (GAN1). Also called: GIANT AXONAL NEUROPATHY 1, AUTOSOMAL RECESSIVE; GAN-Related Neurodegeneration. Identifiers: Orphanet 643, MedGen C1850386, MONDO:0009749, OMIM 256850.

Allele frequency attached by ClinVar (database versions not stated): gnomAD exomes below 0.00001; TOPMed below 0.00001; gnomAD 0.00001; ESP Exome Variant Server 0.00008.
gnomAD v4.1: 6 of 1,612,336 alleles (0.00037%); highest among the groups gnomAD compares: Middle Eastern, 0.016%; no homozygotes.

Submissions (3):

Labcorp Genetics (formerly Invitae), Labcorp
Classification: Pathogenic for Giant axonal neuropathy 1. Last evaluated: 2024-01-02. Review status: criteria provided, single submitter. Criteria: Invitae Variant Classification Sherloc (09022015). Collection method: clinical testing. Allele origin: germline.
Comment: This sequence change creates a premature translational stop signal (p.Arg293*) in the GAN gene. It is expected to result in an absent or disrupted protein product. Loss-of-function variants in GAN are known to be pathogenic (PMID: 12655563, 14718689, 23890932). This variant is present in population databases (rs370358470, gnomAD 0.06%). This premature translational stop signal has been observed in individuals with giant axonal neuropathy (PMID: 15897506). It has also been observed to segregate with disease in related individuals. ClinVar contains an entry for this variant (Variation ID: 637536). For these reasons, this variant has been classified as Pathogenic.

Inherited Neuropathy Consortium Ii, University Of Miami
Classification: Uncertain significance for Giant axonal neuropathy 1. Last evaluated: 2020-12-22. Review status: no assertion criteria provided. Collection method: literature only. Allele origin: germline. Affected: yes. Not counted in ClinVar's aggregate classification.

Inherited Neuropathy Consortium
Classification: Uncertain significance for Giant axonal neuropathy. Review status: no assertion criteria provided. Collection method: literature only. Allele origin: germline. Affected: yes. Not counted in ClinVar's aggregate classification.

Literature cited by the submitters: PubMed 12655563 (cited by Labcorp Genetics (formerly Invitae), Labcorp); PubMed 14718689 (cited by Labcorp Genetics (formerly Invitae), Labcorp); PubMed 23890932 (cited by Labcorp Genetics (formerly Invitae), Labcorp); PubMed 15897506 (cited by Labcorp Genetics (formerly Invitae), Labcorp); PubMed 11062483 (cited by Inherited Neuropathy Consortium Ii, University Of Miami and Inherited Neuropathy Consortium).

NM_022041.4(GAN):c.877C>T (p.Arg293Ter)

Gene: GAN (gigaxonin; plus strand). Cytogenetic location: 16q23.2.
Variant type: single nucleotide variant.
Coding change: c.877C>T on transcript NM_022041.4 (MANE Select); coding-DNA position 877, C replaced by T.
Protein change: p.Arg293Ter; replaces arginine 293 with a stop codon.
Molecular consequence: nonsense.
Genome position (GRCh38, 1-based): chr16:81,357,835, C>T. VCF-style: chr16-81357835-C-T. GRCh37 (hg19) VCF-style: chr16-81391440-C-T.
Other names: c.238C>T, p.Arg80Ter (NM_001377486.1); short protein forms R293*, R80*.
Identifiers: ClinVar variation 637536 (VCV000637536.10), dbSNP rs370358470, ClinGen allele CA284305638.